The following is an entry in ClinVar:

NM_018896.5(CACNA1G):c.3442G>A (p.Glu1148Lys)

Gene: CACNA1G (calcium voltage-gated channel subunit alpha1 G; plus strand). Cytogenetic location: 17q21.33.
Variant type: single nucleotide variant.
Coding change: c.3442G>A on transcript NM_018896.5 (MANE Select); coding-DNA position 3442, G replaced by A.
Protein change: p.Glu1148Lys; replaces glutamic acid 1148 with lysine.
Molecular consequence: missense variant. On other transcripts: non-coding transcript variant (5).
Genome position (GRCh38, 1-based): chr17:50,599,611, G>A. VCF-style: chr17-50599611-G-A. GRCh37 (hg19) VCF-style: chr17-48676972-G-A.
Other names: c.3442G>A, p.Glu1148Lys (NM_001256324.2, NM_001256325.2, NM_001256326.2 and 16 more transcripts); c.3373G>A, p.Glu1125Lys (NM_001256332.2, NM_198376.3, NM_198379.3 and 5 more transcripts); short protein forms E1125K, E1148K.
Identifiers: ClinVar variation 2430579 (VCV002430579.1), dbSNP rs2046214773, ClinGen allele CA400253316.

ClinVar aggregate classification (germline): Uncertain significance (1 of 4 stars; one submission).

Allele frequency attached by ClinVar (database versions not stated): gnomAD exomes 0.00001.

Submission:

GeneDx
Classification: Uncertain significance. Last evaluated: 2022-08-16. Review status: criteria provided, single submitter. Criteria: GeneDx Variant Classification Process June 2021. Collection method: clinical testing. Allele origin: germline. Affected: yes.
Comment: Not observed at significant frequency in large population cohorts (gnomAD); In silico analysis supports that this missense variant does not alter protein structure/function; Has not been previously published as pathogenic or benign to our knowledge